The following is an entry in ClinVar:

ClinVar aggregate classification (germline): Uncertain significance (1 of 4 stars; one submission).

Submission:

CeGaT Center for Human Genetics Tuebingen
Classification: Uncertain significance. Last evaluated: 2022-11-01. Review status: criteria provided, single submitter. Criteria: CeGaT Center For Human Genetics Tuebingen Variant Classification Criteria Version 2. Collection method: clinical testing. Allele origin: germline. Affected: yes. Observed: 1 variant allele.
Comment: PKD2: PM2, PP4

NM_000297.4(PKD2):c.1548G>A (p.Val516=)

Gene: PKD2 (polycystin 2, transient receptor potential cation channel; plus strand). Cytogenetic location: 4q22.1.
Variant type: single nucleotide variant.
Coding change: c.1548G>A on transcript NM_000297.4 (MANE Select); coding-DNA position 1548, G replaced by A.
Protein change: p.Val516=; no amino-acid change (valine 516 retained).
Molecular consequence: synonymous variant. On other transcripts: non-coding transcript variant (1).
Genome position (GRCh38, 1-based): chr4:88,046,870, G>A. VCF-style: chr4-88046870-G-A. GRCh37 (hg19) VCF-style: chr4-88968022-G-A.
Identifiers: ClinVar variation 1879610 (VCV001879610.29), dbSNP rs2475925828, ClinGen allele CA440263355.